The following is an entry in ClinVar:

ClinVar aggregate classification (germline): Uncertain significance (1 of 4 stars; one submission).

gnomAD v4.1: 7 of 1,613,984 alleles (0.00043%); highest among the groups gnomAD compares: African/African-American, 0.004%; no homozygotes.

Submission:

Ambry Genetics
Classification: Uncertain significance. Last evaluated: 2025-10-23. Review status: criteria provided, single submitter. Criteria: Ambry Variant Classification Scheme 2023. Collection method: clinical testing. Allele origin: germline.
Comment: The p.Y262H variant (also known as c.784T>C), located in coding exon 1 of the CDK12 gene, results from a T to C substitution at nucleotide position 784. The tyrosine at codon 262 is replaced by histidine, an amino acid with similar properties. This amino acid position is conserved. In addition, this alteration is predicted to be tolerated by in silico analysis. Based on the available evidence, the clinical significance of this variant remains unclear.

NM_016507.4(CDK12):c.784T>C (p.Tyr262His)

Genes: CDK12 (cyclin dependent kinase 12; plus strand), LOC126862553 (CDK7 strongly-dependent group 2 enhancer GRCh37_chr17:37618166-37619365; plus strand). Cytogenetic location: 17q12.
Variant type: single nucleotide variant.
Coding change: c.784T>C on transcript NM_016507.4 (MANE Select); coding-DNA position 784, T replaced by C.
Protein change: p.Tyr262His; replaces tyrosine 262 with histidine.
Molecular consequence: missense variant.
Genome position (GRCh38, 1-based): chr17:39,462,855, T>C. VCF-style: chr17-39462855-T-C. GRCh37 (hg19) VCF-style: chr17-37619108-T-C.
Other names: c.784T>C, p.Tyr262His (NM_015083.4); short protein forms Y262H.
Identifiers: ClinVar variation 4651400 (VCV004651400.1).